The following is an entry in ClinVar:

ClinVar aggregate classification (germline): Pathogenic (1 of 4 stars; one submission).

Conditions:
Hereditary cancer-predisposing syndrome. Also called: Neoplastic Syndromes, Hereditary; Tumor predisposition; Hereditary neoplastic syndrome; Hereditary Cancer Syndrome. Identifiers: Orphanet 140162, MedGen C0027672, MeSH D009386, MONDO:0015356.

Submission:

Ambry Genetics
Classification: Pathogenic for Hereditary cancer-predisposing syndrome. Last evaluated: 2019-01-28. Review status: criteria provided, single submitter. Criteria: Ambry Variant Classification Scheme 2023. Collection method: clinical testing. Allele origin: germline.
Comment: The c.3455delA pathogenic mutation, located in coding exon 9 of the BRCA1 gene, results from a deletion of one nucleotide at nucleotide position 3455, causing a translational frameshift with a predicted alternate stop codon (p.D1152Afs*3). This alteration is expected to result in loss of function by premature protein truncation or nonsense-mediated mRNA decay. As such, this alteration is interpreted as a disease-causing mutation.

NM_007294.4(BRCA1):c.3455del (p.Asp1152fs)

Genes: BRCA1 (BRCA1 DNA repair associated; minus strand), LOC126862571 (BRD4-independent group 4 enhancer GRCh37_chr17:41243136-41244335; plus strand). Cytogenetic location: 17q21.31.
Variant type: Deletion.
Coding change: c.3455del on transcript NM_007294.4 (MANE Select); coding-DNA position 3455, one base deleted (A; older notation c.3455delA).
Protein change: p.Asp1152fs; shifts the reading frame from aspartic acid 1152.
Molecular consequence: frameshift variant. On other transcripts: intron variant (135).
Genome position (GRCh38, 1-based): chr17:43,092,076, T deleted on the plus strand (A on the coding strand, the reverse complement: BRCA1 is on the minus strand). VCF-style (leftmost placement, unchanged base first): chr17-43092075-GT-G. GRCh37 (hg19) VCF-style: chr17-41244092-GT-G.
Other names: c.3452del, p.Asp1151fs (NM_001407590.1, NM_001407591.1, NM_001407587.1 and 22 more transcripts); c.3242del, p.Asp1081fs (NM_001407918.1, NM_001407571.1, NM_001407853.1 and 9 more transcripts); c.3191del, p.Asp1064fs (NM_001407923.1, NM_001407920.1, NM_001407921.1 and 9 more transcripts); c.3332del, p.Asp1111fs (NM_001407919.1, NM_001407648.1, NM_001407664.1 and 19 more transcripts); c.3455del, p.Asp1152fs (NM_001407594.1, NM_001407593.1, NM_001407596.1 and 30 more transcripts); c.668-1044del (NM_001408431.1, NM_001408424.1, NM_001408421.1); c.785-1044del (NM_001408407.1, NM_001408402.1, NM_001408473.1 and 13 more transcripts); c.665-1044del (NM_001408443.1, NM_001408439.1, NM_001408425.1 and 12 more transcripts); and 41 more; short protein forms D1105fs, D1152fs, D1025fs, D1041fs, D1063fs, D1084fs, D1110fs, D1151fs.
Identifiers: ClinVar variation 823791 (VCV000823791.5), dbSNP rs1597863566, ClinGen allele CA915950125.